The following is an entry in ClinVar:

NM_017721.5(CC2D1A):c.1521C>T (p.Ala507=)

Gene: CC2D1A (coiled-coil and C2 domain containing 1A; plus strand). Cytogenetic location: 19p13.12.
Variant type: single nucleotide variant.
Coding change: c.1521C>T on transcript NM_017721.5 (MANE Select); coding-DNA position 1521, C replaced by T.
Protein change: p.Ala507=; no amino-acid change (alanine 507 retained).
Molecular consequence: synonymous variant.
Genome position (GRCh38, 1-based): chr19:13,920,802, C>T. VCF-style: chr19-13920802-C-T. GRCh37 (hg19) VCF-style: chr19-14031615-C-T.
Identifiers: ClinVar variation 588846 (VCV000588846.49), dbSNP rs35337537, ClinGen allele CA9244707.

ClinVar aggregate classification (germline): Benign/Likely benign. Review status: criteria provided, multiple submitters, no conflicts (2 of 4 stars). 5 submissions from 5 submitters: Benign (1); Likely benign (3). 1 of the submissions does not count toward it. Last evaluated 2026-02-02.

Conditions:
CC2D1A-related disorder. Also called: CC2D1A-related condition.
Inborn genetic diseases. Identifiers: MedGen C0950123, MeSH D030342.

Allele frequency attached by ClinVar (database versions not stated): gnomAD exomes 0.00057 and 0.00129; ExAC 0.00147; ESP Exome Variant Server 0.00423; 1000 Genomes Project 0.00439; gnomAD 0.00445 and 0.00471; 1000 Genomes Project 30x 0.00453; TOPMed 0.00520.
gnomAD v4.1: 1,549 of 1,614,120 alleles (0.096%); highest among the groups gnomAD compares: African/African-American, 1.5%; 7 homozygotes.

Submissions (5):

Labcorp Genetics (formerly Invitae), Labcorp
Classification: Benign. Last evaluated: 2026-02-02. Review status: criteria provided, single submitter. Criteria: Invitae Variant Classification Sherloc (09022015). Collection method: clinical testing. Allele origin: germline.

CeGaT Center for Human Genetics Tuebingen
Classification: Likely benign. Last evaluated: 2020-10-01. Review status: criteria provided, single submitter. Criteria: CeGaT Center For Human Genetics Tuebingen Variant Classification Criteria Version 2. Collection method: clinical testing. Allele origin: germline. Affected: yes. Observed: 1 variant allele.

Ambry Genetics
Classification: Likely benign for Inborn genetic diseases. Last evaluated: 2016-05-18. Review status: criteria provided, single submitter. Criteria: Ambry Variant Classification Scheme 2023. Collection method: clinical testing. Allele origin: germline.

Breakthrough Genomics
Classification: Likely benign. Review status: criteria provided, single submitter. Criteria: ACMG Guidelines, 2015. Collection method: not provided. Allele origin: germline. Inheritance: Autosomal recessive inheritance. Affected: yes.

PreventionGenetics, part of Exact Sciences
Classification: Benign for CC2D1A-related condition. Last evaluated: 2020-01-13. Review status: no assertion criteria provided. Collection method: clinical testing. Allele origin: germline. Not counted in ClinVar's aggregate classification.
Comment: This variant is classified as benign based on ACMG/AMP sequence variant interpretation guidelines (Richards et al. 2015 PMID: 25741868, with internal and published modifications).